The following is an entry in ClinVar:

NM_201384.3(PLEC):c.11283G>C (p.Leu3761=)

Gene: PLEC (plectin; minus strand). Cytogenetic location: 8q24.3.
Variant type: single nucleotide variant.
Coding change: c.11283G>C on transcript NM_201384.3 (MANE Select); coding-DNA position 11283, G replaced by C.
Protein change: p.Leu3761=; no amino-acid change (leucine 3761 retained).
Molecular consequence: synonymous variant.
Genome position (GRCh38, 1-based): chr8:143,918,538, C>G on the plus strand (G>C on the coding strand, the complement: PLEC is on the minus strand). VCF-style: chr8-143918538-C-G. GRCh37 (hg19) VCF-style: chr8-144992706-C-G.
Other names: c.11364G>C, p.Leu3788= (NM_000445.5); c.11241G>C, p.Leu3747= (NM_201378.4); c.11217G>C, p.Leu3739= (NM_201379.3); c.11694G>C, p.Leu3898= (NM_201380.4); c.11187G>C, p.Leu3729= (NM_201381.3); c.11283G>C, p.Leu3761= (NM_201382.4); c.11295G>C, p.Leu3765= (NM_201383.3).
Identifiers: ClinVar variation 512854 (VCV000512854.1), dbSNP rs1554675599, ClinGen allele CA463528248.
Genomic context (GRCh38, chr8:143,918,538, plus strand): 5'-CGAGATGGTCTGCTCGGTGTAGGGGTCACGGTAGCCGGTGACCGCCCGCTCAGCCGAGAG[C>G]AGGCGGTCGTGCAGCTCGGGCCCCACGAGGCCCTTCCGCACAGCCTCATCCACAGTCAGC-3'
Protein context (NP_958786.1, residues 3751-3771): GLVGPELHDR[Leu3761=]LSAERAVTGY

ClinVar aggregate classification (germline): Likely benign (1 of 4 stars; one submission).

Allele frequency attached by ClinVar (database versions not stated): gnomAD exomes below 0.00001.
gnomAD v4.1: 3 of 1,610,018 alleles (0.00019%); highest among the groups gnomAD compares: African/African-American, 0.0013%; no homozygotes.

Submission:

GeneDx
Classification: Likely benign. Last evaluated: 2017-10-31. Review status: criteria provided, single submitter. Criteria: GeneDx Variant Classification (06012015). Collection method: clinical testing. Allele origin: germline. Affected: yes.
Comment: This variant is considered likely benign or benign based on one or more of the following criteria: it is a conservative change, it occurs at a poorly conserved position in the protein, it is predicted to be benign by multiple in silico algorithms, and/or has population frequency not consistent with disease.